The following is an entry in ClinVar:

ClinVar aggregate classification (germline): Pathogenic (1 of 4 stars; one submission).

Conditions:
Autism, susceptibility to, 17. Also called: Autism susceptibility 17. Identifiers: MedGen C3150693, MONDO:0013265, OMIM 613436.

Submission:

Institute of Immunology and Genetics Kaiserslautern
Classification: Pathogenic for Autism, susceptibility to, 17. Last evaluated: 2024-02-02. Review status: criteria provided, single submitter. Criteria: ACMG Guidelines, 2015. Collection method: clinical testing. Allele origin: de novo. Affected: yes.
Comment: ACMG Criteria: PVS1, PM2, PS2; Variant was found in heterozygous state

NM_012309.5(SHANK2):c.4604del (p.Asp1535fs)

Gene: SHANK2 (SH3 and multiple ankyrin repeat domains 2; minus strand). Cytogenetic location: 11q13.3.
Variant type: Deletion.
Coding change: c.4604del on transcript NM_012309.5 (MANE Select); coding-DNA position 4604, one base deleted (A; older notation c.4604delA).
Protein change: p.Asp1535fs; shifts the reading frame from aspartic acid 1535.
Molecular consequence: frameshift variant.
Genome position (GRCh38, 1-based): chr11:70,485,689, T deleted on the plus strand (A on the coding strand, the reverse complement: SHANK2 is on the minus strand). VCF-style (leftmost placement, unchanged base first): chr11-70485688-AT-A. GRCh37 (hg19) VCF-style: chr11-70331793-AT-A.
Other names: c.3467del, p.Asp1156fs (NM_001379226.1); c.2840del, p.Asp947fs (NM_133266.5); short protein forms D1535fs, D947fs, D1156fs.
Identifiers: ClinVar variation 2775433 (VCV002775433.1), dbSNP rs2495470269, ClinGen allele CA2697548784.